The following is an entry in ClinVar:

NM_006918.5(SC5D):c.*2662G>A

Gene: SC5D (sterol-C5-desaturase; plus strand). Cytogenetic location: 11q24.1.
Variant type: single nucleotide variant.
Coding change: c.*2662G>A on transcript NM_006918.5 (MANE Select); 2662 bases downstream of the stop codon, G replaced by A.
Molecular consequence: 3 prime UTR variant.
Genome position (GRCh38, 1-based): chr11:121,310,174, G>A. VCF-style: chr11-121310174-G-A. GRCh37 (hg19) VCF-style: chr11-121180883-G-A.
Other names: c.*2662G>A (NM_001024956.3).
Identifiers: ClinVar variation 303083 (VCV000303083.5), dbSNP rs7125671, ClinGen allele CA10630165.

ClinVar aggregate classification (germline): Benign (1 of 4 stars; one submission).

Conditions:
Lathosterolosis. Also called: SC5D DEFICIENCY; STEROL C5-DESATURASE DEFICIENCY. Identifiers: Orphanet 46059, MedGen C1846421, MONDO:0011816, OMIM 607330.

Allele frequency attached by ClinVar (database versions not stated): gnomAD 0.00636 and 0.00682; 1000 Genomes Project 0.00699; 1000 Genomes Project 30x 0.00703; TOPMed 0.00727.

Submission:

Illumina Laboratory Services, Illumina
Classification: Benign for Lathosterolosis. Last evaluated: 2018-01-13. Review status: criteria provided, single submitter. Criteria: ICSL Variant Classification Criteria 13 December 2019. Collection method: clinical testing. Allele origin: germline.
Comment: This variant was observed in the ICSL laboratory as part of a predisposition screen in an ostensibly healthy population. It had not been previously curated by ICSL or reported in the Human Gene Mutation Database (HGMD: prior to June 1st, 2018), and was therefore a candidate for classification through an automated scoring system. Utilizing variant allele frequency, disease prevalence and penetrance estimates, and inheritance mode, an automated score was calculated to assess if this variant is too frequent to cause the disease. Based on the score and internal cut-off values, a variant classified as benign is not then subjected to further curation. The score for this variant resulted in a classification of benign for this disease.